The following is an entry in ClinVar:

ClinVar aggregate classification (germline): Uncertain significance (1 of 4 stars; one submission).

gnomAD v4.1: 85 of 922,730 alleles (0.0092%); highest among the groups gnomAD compares: East Asian, 0.13%; 1 homozygote.

Submission:

Labcorp Genetics (formerly Invitae), Labcorp
Classification: Uncertain significance. Last evaluated: 2024-06-13. Review status: criteria provided, single submitter. Criteria: Invitae Variant Classification Sherloc (09022015). Collection method: clinical testing. Allele origin: germline.
Comment: This sequence change replaces proline, which is neutral and non-polar, with leucine, which is neutral and non-polar, at codon 691 of the FMN1 protein (p.Pro691Leu). This variant is present in population databases (rs373178662, gnomAD 0.1%), and has an allele count higher than expected for a pathogenic variant. This variant has not been reported in the literature in individuals affected with FMN1-related conditions. Experimental studies and prediction algorithms are not available or were not evaluated, and the functional significance of this variant is currently unknown. In summary, the available evidence is currently insufficient to determine the role of this variant in disease. Therefore, it has been classified as a Variant of Uncertain Significance.

NM_001277313.2(FMN1):c.2741C>T (p.Pro914Leu)

Gene: FMN1 (formin 1; minus strand). Cytogenetic location: 15q13.3.
Variant type: single nucleotide variant.
Coding change: c.2741C>T on transcript NM_001277313.2 (MANE Select); coding-DNA position 2741, C replaced by T.
Protein change: p.Pro914Leu; replaces proline 914 with leucine.
Molecular consequence: missense variant.
Genome position (GRCh38, 1-based): chr15:32,968,960, G>A on the plus strand (C>T on the coding strand, the complement: FMN1 is on the minus strand). VCF-style: chr15-32968960-G-A. GRCh37 (hg19) VCF-style: chr15-33261161-G-A.
Other names: c.2072C>T, p.Pro691Leu (NM_001103184.4); short protein forms P691L, P914L.
Identifiers: ClinVar variation 3670580 (VCV003670580.2).
Genomic context (GRCh38, chr15:32,968,960, plus strand): 5'-GGGGAGTTAGGAAGTGGGGGTGGGGGTGGGGGTGGTGGAGGTCCAGCACTTGAAGGTGGA[G>A]GTAGAGGTGGCGGTGGAGGAGGCGGAGGTGGTAGCGGTGGCCCAGCACTCACAGGTGGCA-3'
Protein context (NP_001264242.1, residues 904-924): PPPPPPPPPL[Pro914Leu]PPSSAGPPPP